The following is an entry in ClinVar:

ClinVar aggregate classification (germline): Uncertain significance (1 of 4 stars; one submission).

Conditions:
Inborn genetic diseases. Identifiers: MedGen C0950123, MeSH D030342.

Submission:

Ambry Genetics
Classification: Uncertain significance for Inborn genetic diseases. Last evaluated: 2026-09-07. Review status: criteria provided, single submitter. Criteria: Ambry Variant Classification Scheme 2023. Collection method: clinical testing. Allele origin: germline.
Comment: The p.M510R variant (also known as c.1529T>G), located in coding exon 9 of the ERCC6L2 gene, results from a T to G substitution at nucleotide position 1529. The methionine at codon 510 is replaced by arginine, an amino acid with similar properties. This amino acid position is conserved. In addition, this alteration is predicted to be deleterious by in silico analysis. Based on the available evidence, the clinical significance of this variant remains unclear.

NM_020207.7(ERCC6L2):c.1529T>G (p.Met510Arg)

Gene: ERCC6L2 (ERCC excision repair 6 like 2; plus strand). Cytogenetic location: 9q22.32.
Variant type: single nucleotide variant.
Coding change: c.1529T>G on transcript NM_020207.7 (MANE Select); coding-DNA position 1529, T replaced by G.
Protein change: p.Met510Arg; replaces methionine 510 with arginine.
Molecular consequence: missense variant. On other transcripts: non-coding transcript variant (1).
Genome position (GRCh38, 1-based): chr9:95,923,375, T>G. VCF-style: chr9-95923375-T-G. GRCh37 (hg19) VCF-style: chr9-98685657-T-G.
Other names: c.1529T>G, p.Met510Arg (NM_001010895.4, NM_001375291.1, NM_001375292.1 and 2 more transcripts); short protein forms M510R.
Identifiers: ClinVar variation 5036114 (VCV005036114.1).